The following is an entry in ClinVar:

NM_030957.4(ADAMTS10):c.3002G>A (p.Arg1001His)

Gene: ADAMTS10 (ADAM metallopeptidase with thrombospondin type 1 motif 10; minus strand). Cytogenetic location: 19p13.2.
Variant type: single nucleotide variant.
Coding change: c.3002G>A on transcript NM_030957.4 (MANE Select); coding-DNA position 3002, G replaced by A.
Protein change: p.Arg1001His; replaces arginine 1001 with histidine.
Molecular consequence: missense variant.
Genome position (GRCh38, 1-based): chr19:8,585,172, C>T on the plus strand (G>A on the coding strand, the complement: ADAMTS10 is on the minus strand). VCF-style: chr19-8585172-C-T. GRCh37 (hg19) VCF-style: chr19-8650056-C-T.
Other names: c.1463G>A, p.Arg488His (NM_001282352.2); short protein forms R1001H, R488H.
Identifiers: ClinVar variation 1032917 (VCV001032917.1), dbSNP rs2042408557, ClinGen allele CA403748501.

ClinVar aggregate classification (germline): Uncertain significance (1 of 4 stars; one submission).

Conditions:
Weill-Marchesani syndrome 1 (WMS1). Also called: ADAMTS10-Related Weill-Marchesani Syndrome; Weill-Marchesani syndrome 1, recessive; Weill-Marchesani Syndrome, Autosomal Recessive. Identifiers: Orphanet 3449, MedGen C4552002, MONDO:0010194, OMIM 277600.

Allele frequency attached by ClinVar (database versions not stated): TOPMed below 0.00001; gnomAD exomes 0.00001.
gnomAD v4.1: 9 of 1,410,328 alleles (0.00064%); highest among the groups gnomAD compares: South Asian, 0.0015%; no homozygotes.

Submission:

Baylor Genetics
Classification: Uncertain significance for Weill-Marchesani syndrome 1. Last evaluated: 2018-08-30. Review status: criteria provided, single submitter. Criteria: ACMG Guidelines, 2015. Collection method: clinical testing. Allele origin: unknown. Affected: yes.
Comment: This variant was determined to be of uncertain significance according to ACMG Guidelines, 2015 [PMID:25741868].